The following is an entry in ClinVar:

ClinVar aggregate classification (germline): Pathogenic (1 of 4 stars; one submission).

Submission:

Labcorp Genetics (formerly Invitae), Labcorp
Classification: Pathogenic. Last evaluated: 2023-03-23. Review status: criteria provided, single submitter. Criteria: Invitae Variant Classification Sherloc (09022015). Collection method: clinical testing. Allele origin: unknown.
Comment: For these reasons, this variant has been classified as Pathogenic. This variant has not been reported in the literature in individuals affected with ABCB11-related conditions. This variant is a gross deletion of the genomic region encompassing exon(s) 9 of the ABCB11 gene. This deletion is out-of-frame, and is expected to create a premature termination codon and result in an absent or disrupted protein product. Loss-of-function variants in ABCB11 are known to be pathogenic (PMID: 18395098, 20232290).

Literature cited by the submitters: PubMed 18395098; PubMed 20232290.

NC_000002.11:g.(?_169847291)_(169847455_?)del

Gene: ABCB11 (ATP binding cassette subfamily B member 11; minus strand). Cytogenetic location: 2q31.1.
Variant type: Deletion.
Identifiers: ClinVar variation 3247515 (VCV003247515.1).